The following is an entry in ClinVar:

ClinVar aggregate classification (germline): Uncertain significance. Review status: criteria provided, multiple submitters, no conflicts (2 of 4 stars). 2 submissions from 2 submitters: Uncertain significance (2). Last evaluated 2025-08-23.

Conditions:
Inborn genetic diseases. Identifiers: MedGen C0950123, MeSH D030342.

gnomAD v4.1: 26 of 1,613,758 alleles (0.0016%); highest among the groups gnomAD compares: Admixed American, 0.0083%; no homozygotes.

Submissions (2):

Ambry Genetics
Classification: Uncertain significance for Inborn genetic diseases. Last evaluated: 2025-08-23. Review status: criteria provided, single submitter. Criteria: Ambry Variant Classification Scheme 2023. Collection method: clinical testing. Allele origin: germline.

Labcorp Genetics (formerly Invitae), Labcorp
Classification: Uncertain significance. Last evaluated: 2022-10-17. Review status: criteria provided, single submitter. Criteria: Invitae Variant Classification Sherloc (09022015). Collection method: clinical testing. Allele origin: germline.
Comment: This sequence change replaces histidine, which is basic and polar, with glutamine, which is neutral and polar, at codon 137 of the CAPN1 protein (p.His137Gln). In summary, the available evidence is currently insufficient to determine the role of this variant in disease. Therefore, it has been classified as a Variant of Uncertain Significance. Advanced modeling of protein sequence and biophysical properties (such as structural, functional, and spatial information, amino acid conservation, physicochemical variation, residue mobility, and thermodynamic stability) performed at Invitae indicates that this missense variant is not expected to disrupt CAPN1 protein function. This variant has not been reported in the literature in individuals affected with CAPN1-related conditions. This variant is present in population databases (rs539922683, gnomAD 0.006%).

NM_005186.4(CAPN1):c.411C>A (p.His137Gln)

Gene: CAPN1 (calpain 1; plus strand). Cytogenetic location: 11q13.1.
Variant type: single nucleotide variant.
Coding change: c.411C>A on transcript NM_005186.4 (MANE Select); coding-DNA position 411, C replaced by A.
Protein change: p.His137Gln; replaces histidine 137 with glutamine.
Molecular consequence: missense variant. On other transcripts: non-coding transcript variant (1).
Genome position (GRCh38, 1-based): chr11:65,183,547, C>A. VCF-style: chr11-65183547-C-A. GRCh37 (hg19) VCF-style: chr11-64951018-C-A.
Other names: c.411C>A (NM_001198868.1); c.411C>A, p.His137Gln (NM_001198868.2, NM_001198869.2); c.249C>A, p.His83Gln (NM_001198870.1); short protein forms H137Q, H83Q.
Identifiers: ClinVar variation 1951018 (VCV001951018.5), dbSNP rs539922683, ClinGen allele CA6093076.
Genomic context (GRCh38, chr11:65,183,547, plus strand): 5'-CTTGGCGGCCATCGCCTCCCTCACTCTCAACGACACCCTCCTGCACCGAGTGGTTCCGCA[C>A]GGCCAGAGCTTCCAGAATGGCTATGCCGGCATCTTCCATTTCCAGGTGAGGGCTCCCCTG-3'
Protein context (NP_005177.2, residues 127-147): NDTLLHRVVP[His137Gln]GQSFQNGYAG